The following is an entry in ClinVar:

ClinVar aggregate classification (germline): Pathogenic (1 of 4 stars; one submission).

Submission:

Labcorp Genetics (formerly Invitae), Labcorp
Classification: Pathogenic. Last evaluated: 2024-05-26. Review status: criteria provided, single submitter. Criteria: Invitae Variant Classification Sherloc (09022015). Collection method: clinical testing. Allele origin: germline.
Comment: This sequence change creates a premature translational stop signal (p.Ile307_Thr308delinsMet*) in the POLE gene. It is expected to result in an absent or disrupted protein product. Loss-of-function variants in POLE are known to be pathogenic (PMID: 23230001, 25948378, 30503519). Information on the frequency of this variant in the gnomAD database is not available, as this variant may be reported differently in the database. This variant has not been reported in the literature in individuals affected with POLE-related conditions. For these reasons, this variant has been classified as Pathogenic.

Literature cited by the submitters: PubMed 23230001; PubMed 25948378; PubMed 30503519.

NM_006231.4(POLE):c.921_924delinsGTGA (p.Ile307_Thr308delinsMetTer)

Gene: POLE (DNA polymerase epsilon, catalytic subunit; minus strand). Cytogenetic location: 12q24.33.
Variant type: Indel.
Coding change: c.921_924delinsGTGA on transcript NM_006231.4 (MANE Select); coding-DNA positions 921 to 924, CACC replaced by GTGA.
Protein change: p.Ile307_Thr308delinsMetTer.
Molecular consequence: nonsense.
Genome position (GRCh38, 1-based): chr12:132,676,190-132,676,193, GGTG replaced by TCAC on the plus strand (CACC replaced by GTGA on the coding strand, the reverse complement: POLE is on the minus strand). VCF-style: chr12-132676190-GGTG-TCAC. GRCh37 (hg19) VCF-style: chr12-133252776-GGTG-TCAC.
Identifiers: ClinVar variation 3654591 (VCV003654591.2).